The following is an entry in ClinVar:

ClinVar aggregate classification (germline): Uncertain significance. Review status: criteria provided, multiple submitters, no conflicts (2 of 4 stars). 2 submissions from 2 submitters: Uncertain significance (2). Last evaluated 2024-08-12.

Conditions:
Inborn genetic diseases. Identifiers: MedGen C0950123, MeSH D030342.
Meckel-Gruber syndrome. Also called: DYSENCEPHALIA SPLANCHNOCYSTICA; GRUBER SYNDROME; Dysencephalia splachnocystica. Identifiers: Orphanet 564, MedGen C0265215, MONDO:0018921.
Joubert syndrome. Also called: CEREBELLOPARENCHYMAL DISORDER IV; JOUBERT-BOLTSHAUSER SYNDROME; Familial aplasia of the vermis. Identifiers: Orphanet 475, MedGen C5979921, MONDO:0018772.

Allele frequency attached by ClinVar (database versions not stated): TOPMed below 0.00001; gnomAD 0.00001.

Submissions (2):

Ambry Genetics
Classification: Uncertain significance for Inborn genetic diseases. Last evaluated: 2024-08-12. Review status: criteria provided, single submitter. Criteria: Ambry Variant Classification Scheme 2023. Collection method: clinical testing. Allele origin: germline.

Labcorp Genetics (formerly Invitae), Labcorp
Classification: Uncertain significance for Joubert syndrome; Meckel-Gruber syndrome. Last evaluated: 2022-02-22. Review status: criteria provided, single submitter. Criteria: Invitae Variant Classification Sherloc (09022015). Collection method: clinical testing. Allele origin: germline.
Comment: This variant has not been reported in the literature in individuals affected with TCTN2-related conditions. This sequence change replaces serine, which is neutral and polar, with phenylalanine, which is neutral and non-polar, at codon 112 of the TCTN2 protein (p.Ser112Phe). This variant is not present in population databases (gnomAD no frequency). Algorithms developed to predict the effect of missense changes on protein structure and function output the following: SIFT: "Deleterious"; PolyPhen-2: "Benign"; Align-GVGD: "Class C0". The phenylalanine amino acid residue is found in multiple mammalian species, which suggests that this missense change does not adversely affect protein function. In summary, the available evidence is currently insufficient to determine the role of this variant in disease. Therefore, it has been classified as a Variant of Uncertain Significance.

NM_024809.5(TCTN2):c.335C>T (p.Ser112Phe)

Gene: TCTN2 (tectonic family member 2; plus strand). Cytogenetic location: 12q24.31.
Variant type: single nucleotide variant.
Coding change: c.335C>T on transcript NM_024809.5 (MANE Select); coding-DNA position 335, C replaced by T.
Protein change: p.Ser112Phe; replaces serine 112 with phenylalanine.
Molecular consequence: missense variant.
Genome position (GRCh38, 1-based): chr12:123,673,682, C>T. VCF-style: chr12-123673682-C-T. GRCh37 (hg19) VCF-style: chr12-124158229-C-T.
Other names: c.332C>T, p.Ser111Phe (NM_001143850.3); c.335C>T (NM_024809.3); short protein forms S112F, S111F.
Identifiers: ClinVar variation 1508430 (VCV001508430.8), dbSNP rs1955784094, ClinGen allele CA387156935.